The following is an entry in ClinVar:

ClinVar aggregate classification (germline): Pathogenic. Review status: criteria provided, multiple submitters, no conflicts (2 of 4 stars). 4 submissions from 4 submitters: Pathogenic (4). Last evaluated 2024-12-10.

Conditions:
ENPP1-related disorder. Also called: ENPP1-related condition; ENPP1-related disorders.
Obesity. Also called: Obesity disorder. Identifiers: Orphanet 71529, MedGen C0028754, MeSH D009765, MONDO:0011122, HP:0001513.
Hypophosphatemic rickets, autosomal recessive, 2 (ARHR2). Identifiers: Orphanet 289176, MedGen C2750078, MONDO:0013219, OMIM 613312.
Hypopigmentation-punctate palmoplantar keratoderma syndrome. Also called: GUTTATE HYPOPIGMENTATION AND PUNCTATE PALMOPLANTAR KERATODERMA WITH OR WITHOUT ECTOPIC CALCIFICATION; Cole disease. Identifiers: Orphanet 324561, MedGen C3809781, MONDO:0014227, OMIM 615522.
Arterial calcification, generalized, of infancy, 1 (GACI1). Also called: Idiopathic Infantile Arterial Calcification. Identifiers: Orphanet 51608, MedGen C4551985, MONDO:0008817, OMIM 208000.
Type 2 diabetes mellitus. Also called: Type II diabetes mellitus. Identifiers: MedGen C0011860, MeSH D003924, MONDO:0005148, OMIM 125853, HP:0005978.

Allele frequency attached by ClinVar (database versions not stated): gnomAD 0.00001; gnomAD exomes 0.00001.
gnomAD v4.1: 13 of 1,613,822 alleles (0.00081%); highest among the groups gnomAD compares: Middle Eastern, 0.016%; no homozygotes.

Submissions (4):

Labcorp Genetics (formerly Invitae), Labcorp
Classification: Pathogenic. Last evaluated: 2024-12-10. Review status: criteria provided, single submitter. Criteria: Invitae Variant Classification Sherloc (09022015). Collection method: clinical testing. Allele origin: germline.
Comment: This sequence change creates a premature translational stop signal (p.Arg782*) in the ENPP1 gene. It is expected to result in an absent or disrupted protein product. Loss-of-function variants in ENPP1 are known to be pathogenic (PMID: 12881724, 15605415, 16369898, 20016754, 20137773, 22539483). This variant is not present in population databases (gnomAD no frequency). This premature translational stop signal has been observed in individual(s) with autosomal recessive hypophosphatemic rickets and/or autosomal recessive arterial calcification (PMID: 16369898, 22539483). This variant is also known as Arg730Stop. ClinVar contains an entry for this variant (Variation ID: 1179191). Algorithms developed to predict the effect of sequence changes on RNA splicing suggest that this variant may disrupt the consensus splice site. For these reasons, this variant has been classified as Pathogenic.

Women's Health and Genetics/Laboratory Corporation of America, LabCorp
Classification: Pathogenic for ENPP1-Related Disorders. Last evaluated: 2023-09-19. Review status: criteria provided, single submitter. Criteria: LabCorp Variant Classification Summary - May 2015. Collection method: clinical testing. Allele origin: germline.
Comment: Variant summary: ENPP1 c.2344C>T (p.Arg782X) results in a premature termination codon, predicted to cause absence of the protein due to nonsense mediated decay, which is a commonly known mechanism for disease. The variant was absent in 251386 control chromosomes. c.2344C>T has been reported in the literature in at-least two individuals affected with ENPP1-Related Disorders (example, Mehta_ENPP1_Rheumatology_2012, Miyai_2015, Numakura_2006). These data indicate that the variant is very likely associated with disease. To our knowledge, no experimental evidence demonstrating an impact on protein function has been reported. The following publications have been ascertained in the context of this evaluation (PMID: 22539483, 28377967, 16369898). One submitter has cited clinical-significance assessments for this variant to ClinVar after 2014 and has classified the variant as pathogenic. Based on the evidence outlined above, the variant was classified as pathogenic.

Fulgent Genetics
Classification: Pathogenic for Type 2 diabetes mellitus; Arterial calcification, generalized, of infancy, 1; Inherited obesity; Hypophosphatemic rickets, autosomal recessive, 2; Hypopigmentation-punctate palmoplantar keratoderma syndrome. Last evaluated: 2021-06-30. Review status: criteria provided, single submitter. Criteria: ACMG Guidelines, 2015. Collection method: clinical testing. Allele origin: unknown.
Comment: This variant has been detected in individual(s) who were sent for testing of Renasight - kidney gene panel.

Blueprint Genetics
Classification: Pathogenic for ENPP1-related disorders. Last evaluated: 2020-06-09. Review status: criteria provided, single submitter. Criteria: ACMG Guidelines, 2015. Collection method: clinical testing. Allele origin: germline. Affected: yes. Observed: 1 variant allele.

Literature cited by the submitters: PubMed 12881724 (cited by Labcorp Genetics (formerly Invitae), Labcorp); PubMed 15605415 (cited by Labcorp Genetics (formerly Invitae), Labcorp); PubMed 16369898 (cited by Labcorp Genetics (formerly Invitae), Labcorp and Women's Health and Genetics/Laboratory Corporation of America, LabCorp); PubMed 20016754 (cited by Labcorp Genetics (formerly Invitae), Labcorp); PubMed 20137773 (cited by Labcorp Genetics (formerly Invitae), Labcorp); PubMed 22539483 (cited by Labcorp Genetics (formerly Invitae), Labcorp and Women's Health and Genetics/Laboratory Corporation of America, LabCorp); PubMed 28377967 (cited by Women's Health and Genetics/Laboratory Corporation of America, LabCorp).

NM_006208.3(ENPP1):c.2344C>T (p.Arg782Ter)

Gene: ENPP1 (ectonucleotide pyrophosphatase/phosphodiesterase 1; plus strand). Cytogenetic location: 6q23.2.
Variant type: single nucleotide variant.
Coding change: c.2344C>T on transcript NM_006208.3 (MANE Select); coding-DNA position 2344, C replaced by T.
Protein change: p.Arg782Ter; replaces arginine 782 with a stop codon.
Molecular consequence: nonsense.
Genome position (GRCh38, 1-based): chr6:131,884,963, C>T. VCF-style: chr6-131884963-C-T. GRCh37 (hg19) VCF-style: chr6-132206103-C-T.
Other names: c.2344C>T (NM_006208.2); short protein forms R782*.
Identifiers: ClinVar variation 1179191 (VCV001179191.6), dbSNP rs1782357136, ClinGen allele CA365656041.